The following is an entry in ClinVar:

ClinVar aggregate classification (germline): Benign/Likely benign. Review status: criteria provided, multiple submitters, no conflicts (2 of 4 stars). 3 submissions from 3 submitters: Benign (1); Likely benign (2). Last evaluated 2026-07-09.

Conditions:
Rhabdoid tumor predisposition syndrome 2 (RTPS2). Identifiers: Orphanet 231108, Orphanet 69077, MedGen C2750074, MONDO:0013224, OMIM 613325.
Hereditary cancer-predisposing syndrome. Also called: Hereditary Cancer Syndrome; Hereditary neoplastic syndrome; Neoplastic Syndromes, Hereditary; Tumor predisposition. Identifiers: Orphanet 140162, MedGen C0027672, MeSH D009386, MONDO:0015356.

gnomAD v4.1: 1 of 1,614,172 alleles (0.000062%); highest among the groups gnomAD compares: Non-Finnish European, 0.000085%; no homozygotes.

Submissions (3):

Myriad Genetics, Inc.
Classification: Benign for Rhabdoid tumor predisposition syndrome 2. Last evaluated: 2026-07-09. Review status: criteria provided, single submitter. Criteria: Myriad Autosomal Dominant, Autosomal Recessive and X-Linked Classification Criteria (2023). Collection method: clinical testing. Allele origin: unknown.
Comment: This variant is considered benign. This variant is a silent/synonymous amino acid change and it is not expected to impact splicing.

Labcorp Genetics (formerly Invitae), Labcorp
Classification: Likely benign for Rhabdoid tumor predisposition syndrome 2. Last evaluated: 2019-11-08. Review status: criteria provided, single submitter. Criteria: Invitae Variant Classification Sherloc (09022015). Collection method: clinical testing. Allele origin: germline.

Ambry Genetics
Classification: Likely benign for Hereditary cancer-predisposing syndrome. Last evaluated: 2019-09-18. Review status: criteria provided, single submitter. Criteria: Ambry Variant Classification Scheme 2023. Collection method: clinical testing. Allele origin: germline.

NM_003072.5(SMARCA4):c.1212C>T (p.Leu404=)

Gene: SMARCA4 (SWI/SNF related BAF chromatin remodeling complex subunit ATPase 4; plus strand). Cytogenetic location: 19p13.2.
Variant type: single nucleotide variant.
Coding change: c.1212C>T on transcript NM_003072.5 (MANE Select); coding-DNA position 1212, C replaced by T.
Protein change: p.Leu404=; no amino-acid change (leucine 404 retained).
Molecular consequence: synonymous variant. On other transcripts: non-coding transcript variant (1).
Genome position (GRCh38, 1-based): chr19:10,989,410, C>T. VCF-style: chr19-10989410-C-T. GRCh37 (hg19) VCF-style: chr19-11100086-C-T.
Other names: c.1212C>T, p.Leu404= (NM_001128844.3, NM_001128845.2, NM_001128846.2 and 5 more transcripts).
Identifiers: ClinVar variation 1130952 (VCV001130952.12), dbSNP rs182329193, ClinGen allele CA505489921.